The following is an entry in ClinVar:

ClinVar aggregate classification (germline): Pathogenic/Likely pathogenic. Review status: criteria provided, multiple submitters, no conflicts (2 of 4 stars). 3 submissions from 3 submitters: Pathogenic (1); Likely pathogenic (2). Last evaluated 2025-09-05.

Conditions:
Autosomal recessive limb-girdle muscular dystrophy type 2J (LGMDR10). Also called: MUSCULAR DYSTROPHY, LIMB-GIRDLE, AUTOSOMAL RECESSIVE 10; Limb-girdle muscular dystrophy, type 2J. Identifiers: Orphanet 140922, MedGen C1837342, MONDO:0012127, OMIM 608807.
Dilated cardiomyopathy 1G (CMD1G). Identifiers: Orphanet 154, MedGen C1858763, MONDO:0011400, OMIM 604145.
Tibial muscular dystrophy (TMD). Also called: Udd Distal Myopathy – Tibial Muscular Dystrophy; UDD MYOPATHY; Tibial muscular dystrophy, tardive. Identifiers: Orphanet 609, MedGen C1838244, MONDO:0010870, OMIM 600334.
Early-onset myopathy with fatal cardiomyopathy (CMYO5). Also called: CONGENITAL MYOPATHY 5 WITH CARDIOMYOPATHY; Salih Myopathy. Identifiers: Orphanet 289377, MedGen C2673677, MONDO:0012714, OMIM 611705. Disease mechanism: loss of function.
Myopathy, myofibrillar, 9, with early respiratory failure (MFM9). Also called: EDSTROM MYOPATHY; MYOPATHY, PROXIMAL, WITH EARLY RESPIRATORY MUSCLE INVOLVEMENT; Hereditary myopathy with early respiratory failure; Myopathy, distal, with early respiratory failure, autosomal dominant. Identifiers: Orphanet 178464, Orphanet 34521, MedGen C1863599, MONDO:0011362, OMIM 603689.
Hypertrophic cardiomyopathy 9. Also called: Familial hypertrophic cardiomyopathy 9. Identifiers: MedGen C1861065, MONDO:0013412, OMIM 613765.
Primary dilated cardiomyopathy (DCM). Also called: Dilated Cardiomyopathy. Identifiers: Orphanet 217604, MedGen C0007193, MeSH D002311, MONDO:0005021, HP:0001644. Inheritance: Various modes of inheritance.

Submissions (3):

Labcorp Genetics (formerly Invitae), Labcorp
Classification: Likely pathogenic for Dilated cardiomyopathy 1G; Autosomal recessive limb-girdle muscular dystrophy type 2J. Last evaluated: 2025-09-05. Review status: criteria provided, single submitter. Criteria: Invitae Variant Classification Sherloc (09022015). Collection method: clinical testing. Allele origin: germline.
Comment: This sequence change creates a premature translational stop signal (p.Ala35544Profs*2) in the TTN gene. While this is not anticipated to result in nonsense mediated decay, it is expected to create a truncated TTN protein. This variant is not present in population databases (gnomAD no frequency). This variant has not been observed in the literature in individuals with autosomal recessive TTN-related conditions. This variant has been reported in individual(s) with autosomal dominant dilated cardiomyopathy (PMID: 25589632, 31983221, 37652022); however, the role of the variant in this condition is currently unclear. ClinVar contains an entry for this variant (Variation ID: 223305). This variant is located in the M band of TTN (PMID: 25589632). Truncating variants in this region have been previously reported in individuals affected with autosomal dominant or autosomal recessive myopathy and muscular dystrophy (PMID: 18948003, 23975875, 24395473). Truncating variants in this region have also been identified in individuals affected with autosomal dominant dilated cardiomyopathy and/or cardio-related conditions (PMID: 27869827, 32964742, internal data). In summary, the currently available evidence indicates that the variant is pathogenic, but additional data are needed to prove that conclusively. Therefore, this variant has been classified as Likely Pathogenic.

Fulgent Genetics
Classification: Pathogenic for Tibial muscular dystrophy; Myopathy, myofibrillar, 9, with early respiratory failure; Dilated cardiomyopathy 1G; Autosomal recessive limb-girdle muscular dystrophy type 2J; Early-onset myopathy with fatal cardiomyopathy; Hypertrophic cardiomyopathy 9. Last evaluated: 2022-02-09. Review status: criteria provided, single submitter. Criteria: ACMG Guidelines, 2015. Collection method: clinical testing. Allele origin: unknown.

Cardiovascular Biomedical Research Unit, Royal Brompton & Harefield NHS Foundation Trust
Classification: Likely pathogenic for Primary dilated cardiomyopathy. Last evaluated: 2014-10-08. Review status: criteria provided, single submitter. Criteria: Roberts et al. 2015. Collection method: research. Allele origin: germline. Inheritance: Autosomal dominant inheritance. Affected: yes. Observed: 1 variant allele. Study: Unselected DCM.
Comment: In the seven cohorts assessed, TTNtv were found in 14% of ambulant DCM, 22% end-stage or familial DCM, and 2% controls. Heterozygous nonsense, frameshift and canonical splice-disrupting variants found in constitutive and other highly utilised exons are highly likely to be pathogenic when identified in individuals with phenotypically confirmed DCM. TTNtv found incidentally in healthy individuals (excluding familial assessment of DCM relatives) are thought to have low penetrance, particularly when identified in exons that are not constitutively expressed in the heart.

Literature cited by the submitters: PubMed 25589632 (cited by Labcorp Genetics (formerly Invitae), Labcorp); PubMed 31983221 (cited by Labcorp Genetics (formerly Invitae), Labcorp); PubMed 37652022 (cited by Labcorp Genetics (formerly Invitae), Labcorp); PubMed 18948003 (cited by Labcorp Genetics (formerly Invitae), Labcorp); PubMed 23975875 (cited by Labcorp Genetics (formerly Invitae), Labcorp); PubMed 24395473 (cited by Labcorp Genetics (formerly Invitae), Labcorp); PubMed 27869827 (cited by Labcorp Genetics (formerly Invitae), Labcorp); PubMed 32964742 (cited by Labcorp Genetics (formerly Invitae), Labcorp).

NM_001267550.2(TTN):c.106629del (p.Ala35544fs)

Genes: TTN (titin; minus strand), TTN-AS1 (TTN antisense RNA 1; plus strand). Cytogenetic location: 2q31.2.
Variant type: Deletion.
Coding change: c.106629del on transcript NM_001267550.2 (MANE Select); coding-DNA position 106629, one base deleted (A; older notation c.106629delA).
Protein change: p.Ala35544fs; shifts the reading frame from alanine 35544.
Molecular consequence: frameshift variant.
Genome position (GRCh38, 1-based): chr2:178,529,122, T deleted on the plus strand (A on the coding strand, the reverse complement: TTN is on the minus strand); the first of 5 consecutive T bases (chr2:178,529,122-178,529,126); deleting any one gives the same sequence. VCF-style (leftmost placement, unchanged base first): chr2-178529121-CT-C. GRCh37 (hg19) VCF-style: chr2-179393848-CT-C.
Other names: c.101706del, p.Ala33903fs (NM_001256850.1); c.79434del, p.Ala26479fs (NM_003319.4); c.98925del, p.Ala32976fs (NM_133378.4); c.79809del, p.Ala26604fs (NM_133432.3); c.80010del, p.Ala26671fs (NM_133437.4); c.106629delA (LRG_391t1); short protein forms A26479fs, A26671fs, A32976fs, A33903fs, A35544fs, A26604fs.
Identifiers: ClinVar variation 223305 (VCV000223305.3), dbSNP rs869312069, ClinGen allele CA353205.
Genomic context (GRCh38, chr2:178,529,121, plus strand): 5'-TGAGGGCTAACTTTTCTTGAGATTTTGCCTCTGACATCTTAATTTCTTCAGACCTTAGGG[CT>C]TTTTGGGAAATTTCCTCTTGGACAACAGCTTTCTTCTGAGGTGTAATTTCAGAAGTCTTT-3'